The following is an entry in ClinVar:

NM_003718.5(CDK13):c.1421C>T (p.Ala474Val)

Gene: CDK13 (cyclin dependent kinase 13; plus strand). Cytogenetic location: 7p14.1.
Variant type: single nucleotide variant.
Coding change: c.1421C>T on transcript NM_003718.5 (MANE Select); coding-DNA position 1421, C replaced by T.
Protein change: p.Ala474Val; replaces alanine 474 with valine.
Molecular consequence: missense variant.
Genome position (GRCh38, 1-based): chr7:39,987,808, C>T. VCF-style: chr7-39987808-C-T. GRCh37 (hg19) VCF-style: chr7-40027407-C-T.
Other names: c.1421C>T, p.Ala474Val (NM_031267.4); short protein forms A474V.
Identifiers: ClinVar variation 1974322 (VCV001974322.5), dbSNP rs923720375, ClinGen allele CA157246417.

ClinVar aggregate classification (germline): Uncertain significance (1 of 4 stars; one submission).

Allele frequency attached by ClinVar (database versions not stated): gnomAD exomes below 0.00001; gnomAD 0.00002.
gnomAD v4.1: 5 of 1,613,748 alleles (0.00031%); highest among the groups gnomAD compares: African/African-American, 0.0067%; no homozygotes.

Submission:

Labcorp Genetics (formerly Invitae), Labcorp
Classification: Uncertain significance. Last evaluated: 2023-09-07. Review status: criteria provided, single submitter. Criteria: Invitae Variant Classification Sherloc (09022015). Collection method: clinical testing. Allele origin: germline.
Comment: This sequence change replaces alanine, which is neutral and non-polar, with valine, which is neutral and non-polar, at codon 474 of the CDK13 protein (p.Ala474Val). This variant is present in population databases (no rsID available, gnomAD 0.01%). This variant has not been reported in the literature in individuals affected with CDK13-related conditions. ClinVar contains an entry for this variant (Variation ID: 1974322). Advanced modeling of protein sequence and biophysical properties (such as structural, functional, and spatial information, amino acid conservation, physicochemical variation, residue mobility, and thermodynamic stability) performed at Invitae indicates that this missense variant is not expected to disrupt CDK13 protein function. In summary, the available evidence is currently insufficient to determine the role of this variant in disease. Therefore, it has been classified as a Variant of Uncertain Significance.